The following is an entry in ClinVar:

NM_022361.5(POPDC3):c.270G>A (p.Met90Ile)

Genes: POPDC1-AS1 (POPDC1 antisense RNA 1; plus strand), POPDC3 (popeye domain cAMP effector 3; minus strand). Cytogenetic location: 6q21.
Variant type: single nucleotide variant.
Coding change: c.270G>A on transcript NM_022361.5 (MANE Select); coding-DNA position 270, G replaced by A.
Protein change: p.Met90Ile; replaces methionine 90 with isoleucine.
Molecular consequence: missense variant.
Genome position (GRCh38, 1-based): chr6:105,161,640, C>T on the plus strand (G>A on the coding strand, the complement: POPDC3 is on the minus strand). VCF-style: chr6-105161640-C-T. GRCh37 (hg19) VCF-style: chr6-105609515-C-T.
Other names: short protein forms M90I.
Identifiers: ClinVar variation 2656803 (VCV002656803.24), dbSNP rs146819030, ClinGen allele CA3941362.

ClinVar aggregate classification (germline): Likely benign (1 of 4 stars; one submission).

Allele frequency attached by ClinVar (database versions not stated): 1000 Genomes Project 0.00100; 1000 Genomes Project 30x 0.00109; TOPMed 0.00110; ESP Exome Variant Server 0.00169; ExAC 0.00171; gnomAD exomes 0.00171; gnomAD 0.00191.
gnomAD v4.1: 2,755 of 1,614,172 alleles (0.17%); highest among the groups gnomAD compares: Non-Finnish European, 0.2%; 6 homozygotes.

Submission:

CeGaT Center for Human Genetics Tuebingen
Classification: Likely benign. Last evaluated: 2024-12-01. Review status: criteria provided, single submitter. Criteria: CeGaT Center For Human Genetics Tuebingen Variant Classification Criteria Version 2. Collection method: clinical testing. Allele origin: germline. Affected: yes. Observed: 5 variant alleles.
Comment: POPDC3: BP4